The following is an entry in ClinVar:

ClinVar aggregate classification (germline): Uncertain significance (1 of 4 stars; one submission).

Submission:

GeneDx
Classification: Uncertain significance. Last evaluated: 2024-07-23. Review status: criteria provided, single submitter. Criteria: GeneDx Variant Classification Process June 2021. Collection method: clinical testing. Allele origin: germline. Affected: yes.
Comment: Not observed at significant frequency in large population cohorts (gnomAD); In silico analysis indicates that this missense variant does not alter protein structure/function; Has not been previously published as pathogenic or benign to our knowledge

NM_201599.3(ZMYM3):c.1693A>G (p.Thr565Ala)

Gene: ZMYM3 (zinc finger MYM-type containing 3; minus strand). Cytogenetic location: Xq13.1.
Variant type: single nucleotide variant.
Coding change: c.1693A>G on transcript NM_201599.3 (MANE Select); coding-DNA position 1693, A replaced by G.
Protein change: p.Thr565Ala; replaces threonine 565 with alanine.
Molecular consequence: missense variant.
Genome position (GRCh38, 1-based): chrX:71,248,730, T>C on the plus strand (A>G on the coding strand, the complement: ZMYM3 is on the minus strand). VCF-style: chrX-71248730-T-C. GRCh37 (hg19) VCF-style: chrX-70468580-T-C.
Other names: c.1693A>G, p.Thr565Ala (NM_001171162.1, NM_005096.3); short protein forms T565A.
Identifiers: ClinVar variation 3600794 (VCV003600794.1).